The following is an entry in ClinVar:

ClinVar aggregate classification (germline): Uncertain significance. Review status: criteria provided, multiple submitters, no conflicts (2 of 4 stars). 2 submissions from 2 submitters: Uncertain significance (2). Last evaluated 2026-03-20.

Submissions (2):

GeneDx
Classification: Uncertain significance. Last evaluated: 2026-03-20. Review status: criteria provided, single submitter. Criteria: GeneDx Variant Classification Process June 2021. Collection method: clinical testing. Allele origin: germline.
Comment: Not observed at significant frequency in large population cohorts (gnomAD); In silico analysis supports that this missense variant has a deleterious effect on protein structure/function; Has not been previously published as pathogenic or benign to our knowledge

Blueprint Genetics
Classification: Uncertain significance. Last evaluated: 2024-08-29. Review status: criteria provided, single submitter. Criteria: ACMG Guidelines, 2015. Collection method: clinical testing. Allele origin: germline.

NM_001042750.2(STAG2):c.496C>T (p.Pro166Ser)

Gene: STAG2 (STAG2 cohesin complex component; plus strand). Cytogenetic location: Xq25.
Variant type: single nucleotide variant.
Coding change: c.496C>T on transcript NM_001042750.2 (MANE Select); coding-DNA position 496, C replaced by T.
Protein change: p.Pro166Ser; replaces proline 166 with serine.
Molecular consequence: missense variant.
Genome position (GRCh38, 1-based): chrX:124,045,197, C>T. VCF-style: chrX-124045197-C-T. GRCh37 (hg19) VCF-style: chrX-123179047-C-T.
Other names: c.496C>T, p.Pro166Ser (NM_001375374.1, NM_001375375.1, NM_001375376.1 and 23 more transcripts); short protein forms P166S.
Identifiers: ClinVar variation 4952689 (VCV004952689.2).